The following is an entry in ClinVar:

NM_004036.5(ADCY3):c.783G>A (p.Ser261=)

Gene: ADCY3 (adenylate cyclase 3; minus strand). Cytogenetic location: 2p23.3.
Variant type: single nucleotide variant.
Coding change: c.783G>A on transcript NM_004036.5 (MANE Select); coding-DNA position 783, G replaced by A.
Protein change: p.Ser261=; no amino-acid change (serine 261 retained).
Molecular consequence: synonymous variant.
Genome position (GRCh38, 1-based): chr2:24,872,612, C>T on the plus strand (G>A on the coding strand, the complement: ADCY3 is on the minus strand). VCF-style: chr2-24872612-C-T. GRCh37 (hg19) VCF-style: chr2-25095481-C-T.
Other names: c.783G>A, p.Ser261= (NM_001320613.2, NM_001377128.1, NM_001377129.1 and 2 more transcripts); c.60G>A, p.Ser20= (NM_001377131.1).
Identifiers: ClinVar variation 3043423 (VCV003043423.2), dbSNP rs751805837, ClinGen allele CA1554404.

ClinVar aggregate classification (germline): Likely benign (0 of 4 stars; one submission).

Conditions:
ADCY3-related disorder. Also called: ADCY3-related condition.

Allele frequency attached by ClinVar (database versions not stated): gnomAD exomes 0.00001; ExAC 0.00003; gnomAD 0.00003; TOPMed 0.00003.
gnomAD v4.1: 23 of 1,614,078 alleles (0.0014%); highest among the groups gnomAD compares: African/African-American, 0.008%; no homozygotes.

Submission:

PreventionGenetics, part of Exact Sciences
Classification: Likely benign for ADCY3-related condition. Last evaluated: 2023-09-01. Review status: no assertion criteria provided. Collection method: clinical testing. Allele origin: germline.
Comment: This variant is classified as likely benign based on ACMG/AMP sequence variant interpretation guidelines (Richards et al. 2015 PMID: 25741868, with internal and published modifications).